The following is an entry in ClinVar:

NM_004991.4(MECOM):c.3407A>G (p.Lys1136Arg)

Gene: MECOM (MDS1 and EVI1 complex locus; minus strand). Cytogenetic location: 3q26.2.
Variant type: single nucleotide variant.
Coding change: c.3407A>G on transcript NM_004991.4 (MANE Select); coding-DNA position 3407, A replaced by G.
Protein change: p.Lys1136Arg; replaces lysine 1136 with arginine.
Molecular consequence: missense variant.
Genome position (GRCh38, 1-based): chr3:169,089,178, T>C on the plus strand (A>G on the coding strand, the complement: MECOM is on the minus strand). VCF-style: chr3-169089178-T-C. GRCh37 (hg19) VCF-style: chr3-168806966-T-C.
Other names: c.3038A>G, p.Lys1013Arg (NM_001105077.4); c.2843A>G, p.Lys948Arg (NM_001105078.4, NM_001205194.2, NM_001366469.2 and 1 more transcripts); c.2819A>G, p.Lys940Arg (NM_001163999.2, NM_001366470.2); c.2816A>G, p.Lys939Arg (NM_001164000.2, NM_001366471.2, NM_001366472.2); c.3380A>G, p.Lys1127Arg (NM_001366466.2); c.2846A>G, p.Lys949Arg (NM_001366467.2, NM_001366468.2); c.2408A>G, p.Lys803Arg (NM_001366473.2); c.1844A>G, p.Lys615Arg (NM_001366474.2); short protein forms K803R, K939R, K940R, K1127R, K615R, K948R, K1013R, K1136R.
Identifiers: ClinVar variation 3871777 (VCV003871777.1).

ClinVar aggregate classification (germline): Uncertain significance (1 of 4 stars; one submission).

Conditions:
Inborn genetic diseases. Identifiers: MedGen C0950123, MeSH D030342.

gnomAD v4.1: 1 of 1,519,530 alleles (0.000066%); highest among the groups gnomAD compares: Non-Finnish European, 0.000088%; no homozygotes.

Submission:

Ambry Genetics
Classification: Uncertain significance for Inborn genetic diseases. Last evaluated: 2025-02-02. Review status: criteria provided, single submitter. Criteria: Ambry Variant Classification Scheme 2023. Collection method: clinical testing. Allele origin: germline.
Comment: The p.K1136R variant (also known as c.3407A>G), located in coding exon 16 of the MECOM gene, results from an A to G substitution at nucleotide position 3407. The lysine at codon 1136 is replaced by arginine, an amino acid with highly similar properties. This amino acid position is conserved. In addition, this alteration is predicted to be tolerated by in silico analysis. Based on the available evidence, the clinical significance of this variant remains unclear.